The following is an entry in ClinVar:

ClinVar aggregate classification (germline): Conflicting classifications of pathogenicity. Review status: criteria provided, conflicting classifications (1 of 4 stars). 3 submissions from 3 submitters: Uncertain significance (1); Likely benign (1). 1 of the submissions does not count toward it. Last evaluated 2025-12-18.

Conditions:
Immunodeficiency 132A. Also called: Herpes simplex encephalitis, susceptibility to, 3. Identifiers: Orphanet 1930, MedGen C3553868, MONDO:0013920, OMIM 614849.
TRAF3-related disorder. Also called: TRAF3 related condition.

Allele frequency attached by ClinVar (database versions not stated): 1000 Genomes Project 30x 0.00031; TOPMed 0.00051; gnomAD exomes 0.00073 and 0.00038; 1000 Genomes Project 0.00020; ESP Exome Variant Server 0.00046; ExAC 0.00030; gnomAD 0.00044.
gnomAD v4.1: 1,123 of 1,614,180 alleles (0.07%); highest among the groups gnomAD compares: Non-Finnish European, 0.085%; no homozygotes.

Submissions (3):

Labcorp Genetics (formerly Invitae), Labcorp
Classification: Uncertain significance for Immunodeficiency 132A. Last evaluated: 2025-12-18. Review status: criteria provided, single submitter. Criteria: Invitae Variant Classification Sherloc (09022015). Collection method: clinical testing. Allele origin: germline.
Comment: This sequence change replaces arginine, which is basic and polar, with glutamine, which is neutral and polar, at codon 321 of the TRAF3 protein (p.Arg321Gln). This variant is present in population databases (rs148461790, gnomAD 0.07%), and has an allele count higher than expected for a pathogenic variant. This variant has not been reported in the literature in individuals affected with TRAF3-related conditions. ClinVar contains an entry for this variant (Variation ID: 569056). An algorithm developed to predict the effect of missense changes on protein structure and function (PolyPhen-2) suggests that this variant is likely to be tolerated. Algorithms developed to predict the effect of sequence changes on RNA splicing suggest that this variant may create or strengthen a splice site. In summary, the available evidence is currently insufficient to determine the role of this variant in disease. Therefore, it has been classified as a Variant of Uncertain Significance.

Blueprint Genetics
Classification: Likely benign. Last evaluated: 2024-09-19. Review status: criteria provided, single submitter. Criteria: ACMG Guidelines, 2015. Collection method: clinical testing. Allele origin: germline.

PreventionGenetics, part of Exact Sciences
Classification: Likely benign for TRAF3-related condition. Last evaluated: 2024-08-23. Review status: no assertion criteria provided. Collection method: clinical testing. Allele origin: germline. Not counted in ClinVar's aggregate classification.
Comment: This variant is classified as likely benign based on ACMG/AMP sequence variant interpretation guidelines (Richards et al. 2015 PMID: 25741868, with internal and published modifications).

NM_145725.3(TRAF3):c.962G>A (p.Arg321Gln)

Gene: TRAF3 (TNF receptor associated factor 3; plus strand). Cytogenetic location: 14q32.32.
Variant type: single nucleotide variant.
Coding change: c.962G>A on transcript NM_145725.3 (MANE Select); coding-DNA position 962, G replaced by A.
Protein change: p.Arg321Gln; replaces arginine 321 with glutamine.
Molecular consequence: missense variant.
Genome position (GRCh38, 1-based): chr14:102,903,256, G>A. VCF-style: chr14-102903256-G-A. GRCh37 (hg19) VCF-style: chr14-103369593-G-A.
Other names: c.713G>A, p.Arg238Gln (NM_001199427.2); c.821G>A, p.Arg274Gln (NM_001385142.1); c.881G>A, p.Arg294Gln (NM_001385143.1); c.962G>A, p.Arg321Gln (NM_003300.4); c.887G>A, p.Arg296Gln (NM_145726.3); short protein forms R321Q, R238Q, R296Q, R274Q, R294Q.
Identifiers: ClinVar variation 569056 (VCV000569056.12), dbSNP rs148461790, ClinGen allele CA7359479.